The following is an entry in ClinVar:

NM_001031710.3(KLHL7):c.776G>A (p.Cys259Tyr)

Gene: KLHL7 (kelch like family member 7; plus strand). Cytogenetic location: 7p15.3.
Variant type: single nucleotide variant.
Coding change: c.776G>A on transcript NM_001031710.3 (MANE Select); coding-DNA position 776, G replaced by A.
Protein change: p.Cys259Tyr; replaces cysteine 259 with tyrosine.
Molecular consequence: missense variant. On other transcripts: non-coding transcript variant (1).
Genome position (GRCh38, 1-based): chr7:23,144,008, G>A. VCF-style: chr7-23144008-G-A. GRCh37 (hg19) VCF-style: chr7-23183627-G-A.
Other names: c.632G>A, p.Cys211Tyr (NM_018846.5); short protein forms C211Y, C259Y.
Identifiers: ClinVar variation 4532064 (VCV004532064.2).

ClinVar aggregate classification (germline): Conflicting classifications of pathogenicity. Review status: criteria provided, conflicting classifications (1 of 4 stars). 2 submissions from 2 submitters: Likely pathogenic (1); Uncertain significance (1). Last evaluated 2024-12-05.

Conditions:
PERCHING syndrome (PERCHING). Also called: Cold-induced sweating syndrome 3. Identifiers: Orphanet 157820, Orphanet 603684, MedGen C4310742, MONDO:0014890, OMIM 617055.

Submissions (2):

Victorian Clinical Genetics Services, Murdoch Childrens Research Institute
Classification: Likely pathogenic for PERCHING syndrome. Last evaluated: 2024-12-05. Review status: criteria provided, single submitter. Criteria: ACMG Guidelines, 2015. Collection method: clinical testing. Allele origin: germline. Affected: no.
Comment: This variant is classified as Likely pathogenic. Evidence in support of pathogenic classification: Variant is absent from gnomAD (v2, v3 and v4); Missense variant predicted to be damaging by in silico tool(s) or highly conserved with a major amino acid change. Additional information: Variant is predicted to result in a missense amino acid change from cysteine to tyrosine; This variant is heterozygous; This gene is associated with both recessive and dominant disease. Autosomal dominant retinitis pigmentosa 42 (MIM#612943) is caused by missense variants clustered within the BTD/BACK domains in the N-terminus of the protein, while autosomal recessive PERCHING syndrome (MIM#617055) is mostly associated with null variants or missense variants in the Kelch domains (PMID: 31953236, 30300710); Alternative amino acid change(s) at the same position are present in gnomAD (Highest alelle count: v4: 2 heterozygote(s), 0 homozygote(s)); This variant has no previous evidence of pathogenicity; No published segregation evidence has been identified for this variant; No published functional evidence has been identified for this variant; No comparable missense variants have previous evidence for pathogenicity; Variant is not located in an established domain, motif, hotspot or informative constraint region; Loss of function is a known mechanism of disease in this gene and is associated with PERCHING syndrome (MIM#617055), while dominant-negative is suggested for retinitis pigmentosa 42 (MIM#612943) (PMID: 21828050); Variants in this gene are known to have variable expressivity. Intra-familial variability has been reported (PMID: 30300710).

Blueprint Genetics
Classification: Uncertain significance. Last evaluated: 2024-01-23. Review status: criteria provided, single submitter. Criteria: ACMG Guidelines, 2015. Collection method: clinical testing. Allele origin: germline.

Literature cited by the submitters: PubMed 21828050 (cited by Victorian Clinical Genetics Services, Murdoch Childrens Research Institute); PubMed 30300710 (cited by Victorian Clinical Genetics Services, Murdoch Childrens Research Institute); PubMed 31953236 (cited by Victorian Clinical Genetics Services, Murdoch Childrens Research Institute).